The following is an entry in ClinVar:

NM_138295.5(PKD1L1):c.8131C>T (p.Arg2711Trp)

Genes: PKD1L1 (polycystin 1 like 1, transient receptor potential channel interacting; minus strand), PKD1L1-AS1 (PKD1L1 antisense RNA 1; plus strand). Cytogenetic location: 7p12.3.
Variant type: single nucleotide variant.
Coding change: c.8131C>T on transcript NM_138295.5 (MANE Select); coding-DNA position 8131, C replaced by T.
Protein change: p.Arg2711Trp; replaces arginine 2711 with tryptophan.
Molecular consequence: missense variant.
Genome position (GRCh38, 1-based): chr7:47,800,711, G>A on the plus strand (C>T on the coding strand, the complement: PKD1L1 is on the minus strand). VCF-style: chr7-47800711-G-A. GRCh37 (hg19) VCF-style: chr7-47840309-G-A.
Other names: c.8131C>T (NM_138295.3); short protein forms R2711W.
Identifiers: ClinVar variation 2574525 (VCV002574525.4), dbSNP rs145005848, ClinGen allele CA4251817.

ClinVar aggregate classification (germline): Uncertain significance. Review status: criteria provided, multiple submitters, no conflicts (2 of 4 stars). 3 submissions from 3 submitters: Uncertain significance (2). 1 of the submissions does not count toward it. Last evaluated 2023-08-23.

Conditions:
PKD1L1-related disorder. Also called: PKD1L1-related condition.

Allele frequency attached by ClinVar (database versions not stated): 1000 Genomes Project 0.00060; 1000 Genomes Project 30x 0.00062; ESP Exome Variant Server 0.00077.
gnomAD v4.1: 188 of 1,614,174 alleles (0.012%); highest among the groups gnomAD compares: African/African-American, 0.14%; no homozygotes.

Submissions (3):

Blueprint Genetics
Classification: Uncertain significance. Last evaluated: 2023-08-23. Review status: criteria provided, single submitter. Criteria: ACMG Guidelines, 2015. Collection method: clinical testing. Allele origin: germline.

GeneDx
Classification: Uncertain significance. Last evaluated: 2023-01-30. Review status: criteria provided, single submitter. Criteria: GeneDx Variant Classification Process June 2021. Collection method: clinical testing. Allele origin: germline. Affected: yes.
Comment: In silico analysis supports that this missense variant does not alter protein structure/function; Has not been previously published as pathogenic or benign to our knowledge

PreventionGenetics, part of Exact Sciences
Classification: Likely benign for PKD1L1-related condition. Last evaluated: 2022-10-10. Review status: no assertion criteria provided. Collection method: clinical testing. Allele origin: germline. Not counted in ClinVar's aggregate classification.
Comment: This variant is classified as likely benign based on ACMG/AMP sequence variant interpretation guidelines (Richards et al. 2015 PMID: 25741868, with internal and published modifications).